The following is an entry in ClinVar:

ClinVar aggregate classification (germline): Uncertain significance (1 of 4 stars; one submission).

Conditions:
Autosomal dominant hypocalcemia 1 (HYPOC1). Also called: HYPOCALCEMIA, FAMILIAL. Identifiers: MedGen C3715128, MONDO:0011013, OMIM 601198.
Familial hypocalciuric hypercalcemia (FHH). Also called: Familial benign hypercalcemia. Identifiers: Orphanet 405, MedGen C1809471, MONDO:0018458.

Submission:

Labcorp Genetics (formerly Invitae), Labcorp
Classification: Uncertain significance for Familial hypocalciuric hypercalcemia; Autosomal dominant hypocalcemia 1. Last evaluated: 2020-07-07. Review status: criteria provided, single submitter. Criteria: Invitae Variant Classification Sherloc (09022015). Collection method: clinical testing. Allele origin: germline.
Comment: This sequence change replaces leucine with valine at codon 618 of the CASR protein (p.Leu618Val). The leucine residue is highly conserved and there is a small physicochemical difference between leucine and valine. This variant is not present in population databases (ExAC no frequency). This variant has not been reported in the literature in individuals with CASR-related conditions. Algorithms developed to predict the effect of missense changes on protein structure and function are either unavailable or do not agree on the potential impact of this missense change (SIFT: "Deleterious"; PolyPhen-2: "Benign"; Align-GVGD: "Class C0"). In summary, the available evidence is currently insufficient to determine the role of this variant in disease. Therefore, it has been classified as a Variant of Uncertain Significance.

NM_000388.4(CASR):c.1852C>G (p.Leu618Val)

Gene: CASR (calcium sensing receptor; plus strand). Cytogenetic location: 3q21.1.
Variant type: single nucleotide variant.
Coding change: c.1852C>G on transcript NM_000388.4 (MANE Select); coding-DNA position 1852, C replaced by G.
Protein change: p.Leu618Val; replaces leucine 618 with valine.
Molecular consequence: missense variant.
Genome position (GRCh38, 1-based): chr3:122,283,806, C>G. VCF-style: chr3-122283806-C-G. GRCh37 (hg19) VCF-style: chr3-122002653-C-G.
Other names: c.1882C>G, p.Leu628Val (NM_001178065.2); short protein forms L618V, L628V.
Identifiers: ClinVar variation 1022478 (VCV001022478.9), dbSNP rs2074923685, ClinGen allele CA354157634.